The following is an entry in ClinVar:

ClinVar aggregate classification (germline): Pathogenic (1 of 4 stars; one submission).

Conditions:
Polyglandular autoimmune syndrome, type 1 (APS1). Also called: PGA I; Autoimmune polyendocrinopathy syndrome , type I, with or without reversible metaphyseal dysplasia; AUTOIMMUNE POLYENDOCRINE SYNDROME, TYPE I, WITH OR WITHOUT REVERSIBLE METAPHYSEAL DYSPLASIA; APS I; Whitaker syndrome; HYPOADRENOCORTICISM WITH HYPOPARATHYROIDISM AND SUPERFICIAL MONILIASIS. Identifiers: Orphanet 3453, MedGen C0085859, MONDO:0009411, OMIM 240300.

Submission:

Natera, Inc.
Classification: Pathogenic for Polyglandular autoimmune syndrome type 1. Last evaluated: 2025-09-25. Review status: criteria provided, single submitter. Criteria: Natera Variant Classification Schema (03/2026). Collection method: clinical testing. Allele origin: germline.
Comment: The c.1095+2T>A variant in AIRE is a canonical splice donor site variant predicted to affect pre-mRNA splicing, which may result in an abnormal transcript and altered protein product. This variant is expected to result in nonsense mediated decay, truncation, or a dysfunctional protein product. This variant is rare in the general population with a frequency below the threshold expected for the associated phenotype(s). This variant has been observed in one or more individuals affected with the associated recessive disease, as either homozygous or compound heterozygous with a second variant (PMID: 34991662). Given the available evidence, this variant is classified as Pathogenic.

Literature cited by the submitters: PubMed 34991662.

NM_000383.4(AIRE):c.1095+2T>A

Gene: AIRE (autoimmune regulator; plus strand). Cytogenetic location: 21q22.3.
Variant type: single nucleotide variant.
Coding change: c.1095+2T>A on transcript NM_000383.4 (MANE Select); the canonical splice donor site of the intron after coding-DNA position 1095, T replaced by A.
Molecular consequence: splice donor variant.
Genome position (GRCh38, 1-based): chr21:44,292,403, T>A. VCF-style: chr21-44292403-T-A. GRCh37 (hg19) VCF-style: chr21-45712286-T-A.
Identifiers: ClinVar variation 4818285 (VCV004818285.1).